The following continues an entry in ClinVar:

NM_001267550.2(TTN):c.47191C>T (p.Arg15731Cys)

ClinVar aggregate classification (germline): Conflicting classifications of pathogenicity. Uncertain significance (3); Benign (9); Likely benign (9).

Submissions 19 to 27 of 27:

Laboratory for Molecular Medicine, Mass General Brigham Personalized Medicine
Classification: Likely benign. Last evaluated: 2015-06-16. Review status: criteria provided, single submitter. Criteria: LMM Criteria. Collection method: clinical testing. Allele origin: germline. Observed: 16 variant alleles.
Comment: p.Arg13163Cys in exon 201 of TTN: This variant is not expected to have clinical significance because it has been identified in 0.4% (234/66658) of European chro mosomes by the Exome Aggregation Consortium (ExAC, g; dbSNP rs72650031).

Biesecker Lab/Clinical Genomics Section, National Institutes of Health
Classification: Benign. Last evaluated: 2013-06-24. Review status: criteria provided, single submitter. Criteria: Ng et al. (Circ Cardiovasc Genet. 2013). Collection method: research. Allele origin: unknown. Observed: 5 variant alleles. Study: ClinSeq.
Comment: The study set was not selected for affection status in relation to any cancer. Pathogenicity categories were based on literature curation. See Pubmed ID:23861362 for details.

Medical sequencing

Ambry Genetics
Classification: Likely benign for Cardiovascular phenotype. Last evaluated: 2013-03-26. Review status: criteria provided, single submitter. Criteria: Ambry Autosomal Dominant and X-Linked criteria (10/2015). Collection method: clinical testing. Allele origin: germline. Observed: 1 variant allele.

PreventionGenetics, part of Exact Sciences
Classification: Likely benign for TTN-related condition. Last evaluated: 2021-06-02. Review status: no assertion criteria provided. Collection method: clinical testing. Allele origin: germline. Not counted in ClinVar's aggregate classification.
Comment: This variant is classified as likely benign based on ACMG/AMP sequence variant interpretation guidelines (Richards et al. 2015 PMID: 25741868, with internal and published modifications).

Clinical Genetics DNA and cytogenetics Diagnostics Lab, Erasmus MC, Erasmus Medical Center
Classification: Benign. Review status: no assertion criteria provided. Collection method: clinical testing. Allele origin: germline. Affected: yes. Study: VKGL Data-share Consensus. Not counted in ClinVar's aggregate classification.

Clinical Genetics, Academic Medical Center
Classification: Benign. Review status: no assertion criteria provided. Collection method: clinical testing. Allele origin: germline. Affected: yes. Study: VKGL Data-share Consensus. Not counted in ClinVar's aggregate classification.

Diagnostic Laboratory, Department of Genetics, University Medical Center Groningen
Classification: Likely benign. Review status: no assertion criteria provided. Collection method: clinical testing. Allele origin: germline. Affected: yes. Study: VKGL Data-share Consensus. Not counted in ClinVar's aggregate classification.

Genome Diagnostics Laboratory, University Medical Center Utrecht
Classification: Likely benign. Review status: no assertion criteria provided. Collection method: clinical testing. Allele origin: germline. Affected: yes. Study: VKGL Data-share Consensus. Not counted in ClinVar's aggregate classification.

Joint Genome Diagnostic Labs from Nijmegen and Maastricht, Radboudumc and MUMC+
Classification: Benign. Review status: no assertion criteria provided. Collection method: clinical testing. Allele origin: germline. Affected: yes. Study: VKGL Data-share Consensus. Not counted in ClinVar's aggregate classification.

Literature cited by the submitters: PubMed 24503780 (cited by Athena Diagnostics and Women's Health and Genetics/Laboratory Corporation of America, LabCorp); PubMed 25163546 (cited by Athena Diagnostics).